The following is an entry in ClinVar:

NM_001367823.1(ARHGEF18):c.2836C>A (p.Pro946Thr)

Gene: ARHGEF18 (Rho/Rac guanine nucleotide exchange factor 18; plus strand). Cytogenetic location: 19p13.2.
Variant type: single nucleotide variant.
Coding change: c.2836C>A on transcript NM_001367823.1 (MANE Select); coding-DNA position 2836, C replaced by A.
Protein change: p.Pro946Thr; replaces proline 946 with threonine.
Molecular consequence: missense variant.
Genome position (GRCh38, 1-based): chr19:7,464,622, C>A. VCF-style: chr19-7464622-C-A. GRCh37 (hg19) VCF-style: chr19-7529508-C-A.
Other names: c.2110C>A, p.Pro704Thr (NM_001130955.2); c.1798C>A, p.Pro600Thr (NM_001367824.1, NM_015318.4); short protein forms P946T, P600T, P704T.
Identifiers: ClinVar variation 2075372 (VCV002075372.4), dbSNP rs139001377, ClinGen allele CA403083320.
Genomic context (GRCh38, chr19:7,464,622, plus strand): 5'-GGCAGTTTCAAGAAGAAAGTCAGCAGCACTGACCCCAGGCCCCGAGACTGGCGAGGCCCC[C>A]CAAACAGCCCGGACTTGAAGCTCAGTGACAGTGACATTCCTGGGAGCTCTGAGGAATCGC-3'
Protein context (NP_001354752.1, residues 936-956): DPRPRDWRGP[Pro946Thr]NSPDLKLSDS

ClinVar aggregate classification (germline): Uncertain significance (1 of 4 stars; one submission).

Submission:

Labcorp Genetics (formerly Invitae), Labcorp
Classification: Uncertain significance. Last evaluated: 2022-01-05. Review status: criteria provided, single submitter. Criteria: Invitae Variant Classification Sherloc (09022015). Collection method: clinical testing. Allele origin: germline.
Comment: This sequence change replaces proline, which is neutral and non-polar, with threonine, which is neutral and polar, at codon 758 of the ARHGEF18 protein (p.Pro758Thr). This variant is not present in population databases (gnomAD no frequency). In summary, the available evidence is currently insufficient to determine the role of this variant in disease. Therefore, it has been classified as a Variant of Uncertain Significance. Algorithms developed to predict the effect of missense changes on protein structure and function (SIFT, PolyPhen-2, Align-GVGD) all suggest that this variant is likely to be tolerated. This variant has not been reported in the literature in individuals affected with ARHGEF18-related conditions.